The following is an entry in ClinVar:

NM_001903.5(CTNNA1):c.469-15T>C

Gene: CTNNA1 (catenin alpha 1; plus strand). Cytogenetic location: 5q31.2.
Variant type: single nucleotide variant.
Coding change: c.469-15T>C on transcript NM_001903.5 (MANE Select); 15 bases into the intron before coding-DNA position 469, T replaced by C.
Molecular consequence: intron variant.
Genome position (GRCh38, 1-based): chr5:138,812,168, T>C. VCF-style: chr5-138812168-T-C. GRCh37 (hg19) VCF-style: chr5-138147857-T-C.
Other names: c.469-15T>C (NM_001323982.2, NM_001323984.2, NM_001290307.3 and 3 more transcripts); c.100-15T>C (NM_001290310.3); c.160-15T>C (NM_001290309.3).
Identifiers: ClinVar variation 3773382 (VCV003773382.1).
Genomic context (GRCh38, chr5:138,812,168, plus strand): 5'-AATTCCTAGGATGCCATCTTCTTTACAGACCTACATTCAGAATTTTTGGGTTTTGGGGTC[T>C]TTCTTATTTTATAGGTGGAAGATGGTATCTTGAAGTTGAGGAATGCTGGCAATGAACAAG-3'

ClinVar aggregate classification (germline): Likely benign (1 of 4 stars; one submission).

Conditions:
Hereditary diffuse gastric adenocarcinoma (HDGC). Also called: DIFFUSE GASTRIC AND LOBULAR BREAST CANCER SYNDROME. Identifiers: Orphanet 26106, MedGen C1708349, MONDO:0007648, OMIM 137215.

Submission:

Myriad Genetics, Inc.
Classification: Likely benign for Hereditary diffuse gastric adenocarcinoma. Last evaluated: 2024-10-09. Review status: criteria provided, single submitter. Criteria: Myriad Autosomal Dominant, Autosomal Recessive and X-Linked Classification Criteria (2023). Collection method: clinical testing. Allele origin: unknown.
Comment: This variant is considered likely benign. This variant is intronic and is not expected to impact mRNA splicing.